The following is an entry in ClinVar:

ClinVar aggregate classification (germline): Likely pathogenic (1 of 4 stars; one submission).

Conditions:
Ullrich congenital muscular dystrophy 2 (UCMD2). Identifiers: Orphanet 75840, MedGen C4225314, MONDO:0014654, OMIM 616470.

Submission:

Women's Health and Genetics/Laboratory Corporation of America, LabCorp
Classification: Likely pathogenic for Ullrich congenital muscular dystrophy 2. Last evaluated: 2025-11-13. Review status: criteria provided, single submitter. Criteria: LabCorp Variant Classification Summary - May 2015. Collection method: clinical testing. Allele origin: germline.
Comment: Variant summary: COL12A1 c.7950+1G>A is located in a canonical splice-site and is predicted to affect mRNA splicing resulting in a significantly altered protein due to either exon skipping, shortening, or inclusion of intronic material. Variants that disrupt the consensus splice site are a relatively common cause of aberrant splicing and loss of COL12A1 function. Several computational tools predict a significant impact on normal splicing: Four predict the variant abolishes a canonnical 5' splicing donor site. However, these predictions have yet to be confirmed by functional studies. The frequency data for this variant in gnomAD is considered unreliable, as metrics indicate poor data quality at this position. To our knowledge, no occurrence of c.7950+1G>A in individuals affected with COL12A1-related conditions and no experimental evidence demonstrating its impact on protein function have been reported. No submitters have cited clinical-significance assessments for this variant to ClinVar. Based on the evidence outlined above, the variant was classified as likely pathogenic.

NM_004370.6(COL12A1):c.7950+1G>A

Gene: COL12A1 (collagen type XII alpha 1 chain; minus strand). Cytogenetic location: 6q13.
Variant type: single nucleotide variant.
Coding change: c.7950+1G>A on transcript NM_004370.6 (MANE Select); the canonical splice donor site of the intron after coding-DNA position 7950, G replaced by A.
Molecular consequence: splice donor variant.
Genome position (GRCh38, 1-based): chr6:75,113,203, C>T on the plus strand (G>A on the coding strand, the complement: COL12A1 is on the minus strand). VCF-style: chr6-75113203-C-T. GRCh37 (hg19) VCF-style: chr6-75822919-C-T.
Other names: c.4458+1G>A (NM_001424116.1, NM_080645.3); c.7677+1G>A (NM_001424115.1); c.7929+1G>A (NM_001424114.1); c.7950+1G>A (NM_001424113.1).
Identifiers: ClinVar variation 4536745 (VCV004536745.1).